The following is an entry in ClinVar:

ClinVar aggregate classification (germline): Uncertain significance (1 of 4 stars; one submission).

Submission:

Labcorp Genetics (formerly Invitae), Labcorp
Classification: Uncertain significance. Last evaluated: 2025-05-27. Review status: criteria provided, single submitter. Criteria: Invitae Variant Classification Sherloc (09022015). Collection method: clinical testing. Allele origin: germline.
Comment: This sequence change replaces proline, which is neutral and non-polar, with threonine, which is neutral and polar, at codon 374 of the SEMA4A protein (p.Pro374Thr). This variant is present in population databases (rs781545414, gnomAD 0.03%). This missense change has been observed in individual(s) with SEMA4A-related conditions (PMID: 33946315). ClinVar contains an entry for this variant (Variation ID: 3610028). Invitae Evidence Modeling of protein sequence and biophysical properties (such as structural, functional, and spatial information, amino acid conservation, physicochemical variation, residue mobility, and thermodynamic stability) has been performed for this missense variant. However, the output from this modeling did not meet the statistical confidence thresholds required to predict the impact of this variant on SEMA4A protein function. In summary, the available evidence is currently insufficient to determine the role of this variant in disease. Therefore, it has been classified as a Variant of Uncertain Significance.

Literature cited by the submitters: PubMed 33946315.

NM_022367.4(SEMA4A):c.1120C>A (p.Pro374Thr)

Gene: SEMA4A (semaphorin 4A; plus strand). Cytogenetic location: 1q22.
Variant type: single nucleotide variant.
Coding change: c.1120C>A on transcript NM_022367.4 (MANE Select); coding-DNA position 1120, C replaced by A.
Protein change: p.Pro374Thr; replaces proline 374 with threonine.
Molecular consequence: missense variant.
Genome position (GRCh38, 1-based): chr1:156,163,080, C>A. VCF-style: chr1-156163080-C-A. GRCh37 (hg19) VCF-style: chr1-156132871-C-A.
Other names: c.1120C>A, p.Pro374Thr (NM_001193300.2, NM_001193301.2, NM_001370567.1); c.724C>A, p.Pro242Thr (NM_001193302.2); c.823C>A, p.Pro275Thr (NM_001370568.1); c.613C>A, p.Pro205Thr (NM_001370569.1, NM_001370571.1); short protein forms P205T, P242T, P275T, P374T.
Identifiers: ClinVar variation 3610028 (VCV003610028.2).
Genomic context (GRCh38, chr1:156,163,080, plus strand): 5'-TACAAAGAGTTGAACAAAGAAACTTCACGCTGGACTACTTATAGGGGCCCTGAGACCAAC[C>A]CCCGGCCAGGCAGTGTGAGTACTACCCCCCACACTGAGCACAGTCTACACATACATAATG-3'
Protein context (NP_071762.2, residues 364-384): WTTYRGPETN[Pro374Thr]RPGSCSVGPS